The following is an entry in ClinVar:

ClinVar aggregate classification (germline): Conflicting classifications of pathogenicity. Review status: criteria provided, conflicting classifications (1 of 4 stars). 3 submissions from 3 submitters: Uncertain significance (2); Likely benign (1). Last evaluated 2026-07-09.

Conditions:
PEX19-related disorder. Also called: PEX19-related condition.
Inborn genetic diseases. Identifiers: MedGen C0950123, MeSH D030342.
Peroxisome biogenesis disorder 12A (Zellweger). Also called: Peroxisome biogenesis disorder 12A. Identifiers: Orphanet 912, MedGen C3554002, MONDO:0013951, OMIM 614886.

Allele frequency attached by ClinVar (database versions not stated): ExAC 0.00001; gnomAD 0.00001; gnomAD exomes 0.00001; TOPMed 0.00001.
gnomAD v4.1: 10 of 1,613,886 alleles (0.00062%); highest among the groups gnomAD compares: East Asian, 0.022%; no homozygotes.

Submissions (3):

PreventionGenetics, part of Exact Sciences
Classification: Uncertain significance for PEX19-related condition. Last evaluated: 2026-07-09. Review status: criteria provided, single submitter. Criteria: ACMG Guidelines, 2015. Collection method: clinical testing. Allele origin: germline.
Comment: The PEX19 c.667A>G variant is predicted to result in the amino acid substitution p.Ser223Gly. To our knowledge, this variant has not been reported in the literature. This variant is reported in 0.020% of alleles in individuals of East Asian descent in gnomAD. At this time, the clinical significance of this variant is uncertain due to the absence of conclusive functional and genetic evidence.

Ambry Genetics
Classification: Likely benign for Inborn genetic diseases. Last evaluated: 2024-03-04. Review status: criteria provided, single submitter. Criteria: Ambry Variant Classification Scheme 2023. Collection method: clinical testing. Allele origin: germline.

Labcorp Genetics (formerly Invitae), Labcorp
Classification: Uncertain significance for Peroxisome biogenesis disorder 12A (Zellweger). Last evaluated: 2022-07-12. Review status: criteria provided, single submitter. Criteria: Invitae Variant Classification Sherloc (09022015). Collection method: clinical testing. Allele origin: germline.
Comment: This sequence change replaces serine, which is neutral and polar, with glycine, which is neutral and non-polar, at codon 223 of the PEX19 protein (p.Ser223Gly). This variant is present in population databases (rs778154365, gnomAD 0.02%). This variant has not been reported in the literature in individuals affected with PEX19-related conditions. ClinVar contains an entry for this variant (Variation ID: 860421). Algorithms developed to predict the effect of missense changes on protein structure and function (SIFT, PolyPhen-2, Align-GVGD) all suggest that this variant is likely to be tolerated. In summary, the available evidence is currently insufficient to determine the role of this variant in disease. Therefore, it has been classified as a Variant of Uncertain Significance.

NM_002857.4(PEX19):c.667A>G (p.Ser223Gly)

Gene: PEX19 (peroxisomal biogenesis factor 19; minus strand). Cytogenetic location: 1q23.2.
Variant type: single nucleotide variant.
Coding change: c.667A>G on transcript NM_002857.4 (MANE Select); coding-DNA position 667, A replaced by G.
Protein change: p.Ser223Gly; replaces serine 223 with glycine.
Molecular consequence: missense variant. On other transcripts: non-coding transcript variant (2).
Genome position (GRCh38, 1-based): chr1:160,280,174, T>C on the plus strand (A>G on the coding strand, the complement: PEX19 is on the minus strand). VCF-style: chr1-160280174-T-C. GRCh37 (hg19) VCF-style: chr1-160249964-T-C.
Other names: c.667A>G, p.Ser223Gly (NM_001193644.1); short protein forms S223G.
Identifiers: ClinVar variation 860421 (VCV000860421.11), dbSNP rs778154365, ClinGen allele CA1197283.